The following is an entry in ClinVar:

ClinVar aggregate classification (germline): Benign. Review status: criteria provided, multiple submitters, no conflicts (2 of 4 stars). 11 submissions from 11 submitters: Benign (9). 2 of the submissions do not count toward it. Last evaluated 2026-02-03.

Conditions:
Cardiovascular phenotype. Identifiers: MedGen CN230736.
Brugada syndrome 8 (BRGDA8). Identifiers: Orphanet 130, MedGen C2751083, MONDO:0013148, OMIM 613123.
Sick sinus syndrome 2, autosomal dominant (SSS2). Also called: ATRIAL FIBRILLATION WITH BRADYARRHYTHMIA; SICK SINUS SYNDROME 2; SICK SINUS SYNDROME 2 WITH OR WITHOUT CARDIAC NONCOMPACTION AND/OR ASCENDING AORTA DILATION; SINUS BRADYCARDIA SYNDROME, FAMILIAL, AUTOSOMAL DOMINANT; SINUS NODE DISEASE, FAMILIAL, AUTOSOMAL DOMINANT. Identifiers: Orphanet 166282, MedGen C1834144, MONDO:0008102, OMIM 163800.

Allele frequency attached by ClinVar (database versions not stated): gnomAD exomes 0.00085 and 0.00236; ExAC 0.00288; gnomAD 0.00976 and 0.01030; TOPMed 0.01092; ESP Exome Variant Server 0.01147; 1000 Genomes Project 0.01218; 1000 Genomes Project 30x 0.01265.
gnomAD v4.1: 2,818 of 1,613,812 alleles (0.17%); highest among the groups gnomAD compares: African/African-American, 3.3%; 41 homozygotes.

Submissions (11):

Labcorp Genetics (formerly Invitae), Labcorp
Classification: Benign for Brugada syndrome 8. Last evaluated: 2026-02-03. Review status: criteria provided, single submitter. Criteria: Invitae Variant Classification Sherloc (09022015). Collection method: clinical testing. Allele origin: germline.

Molecular Diagnostic Laboratory for Inherited Cardiovascular Disease, Montreal Heart Institute
Classification: Benign. Last evaluated: 2025-04-09. Review status: criteria provided, single submitter. Criteria: ACMG Guidelines, 2015. Collection method: clinical testing. Allele origin: germline. Affected: no.

Mayo Clinic Laboratories, Mayo Clinic
Classification: Benign. Last evaluated: 2024-03-11. Review status: criteria provided, single submitter. Criteria: ACMG Guidelines, 2015. Collection method: clinical testing. Allele origin: germline. Observed: 5 variant alleles.
Comment: BS1, BS2, BP4, BP7

Women's Health and Genetics/Laboratory Corporation of America, LabCorp
Classification: Benign. Last evaluated: 2024-01-08. Review status: criteria provided, single submitter. Criteria: LabCorp Variant Classification Summary - May 2015. Collection method: clinical testing. Allele origin: germline.

Athena Diagnostics
Classification: Benign. Last evaluated: 2018-05-01. Review status: criteria provided, single submitter. Criteria: Athena Diagnostics Criteria. Collection method: clinical testing. Allele origin: germline.

Illumina Laboratory Services, Illumina
Classification: Benign for Sick sinus syndrome 2, autosomal dominant. Last evaluated: 2018-01-12. Review status: criteria provided, single submitter. Criteria: ICSL Variant Classification Criteria 13 December 2019. Collection method: clinical testing. Allele origin: germline.
Comment: This variant was observed in the ICSL laboratory as part of a predisposition screen in an ostensibly healthy population. It had not been previously curated by ICSL or reported in the Human Gene Mutation Database (HGMD: prior to June 1st, 2018), and was therefore a candidate for classification through an automated scoring system. Utilizing variant allele frequency, disease prevalence and penetrance estimates, and inheritance mode, an automated score was calculated to assess if this variant is too frequent to cause the disease. Based on the score and internal cut-off values, a variant classified as benign is not then subjected to further curation. The score for this variant resulted in a classification of benign for this disease.

Ambry Genetics
Classification: Benign for Cardiovascular phenotype. Last evaluated: 2015-08-07. Review status: criteria provided, single submitter. Criteria: Ambry Variant Classification Scheme 2023. Collection method: clinical testing. Allele origin: germline.

GeneDx
Classification: Benign. Last evaluated: 2014-06-18. Review status: criteria provided, single submitter. Criteria: GeneDx Variant Classification (06012015). Collection method: clinical testing. Allele origin: germline. Affected: yes.
Comment: This variant is considered likely benign or benign based on one or more of the following criteria: it is a conservative change, it occurs at a poorly conserved position in the protein, it is predicted to be benign by multiple in silico algorithms, and/or has population frequency not consistent with disease.

Breakthrough Genomics
Classification: Benign. Review status: criteria provided, single submitter. Criteria: ACMG Guidelines, 2015. Collection method: not provided. Allele origin: germline. Inheritance: Autosomal dominant inheritance. Affected: yes.

Clinical Genetics, Academic Medical Center
Classification: Benign. Review status: no assertion criteria provided. Collection method: clinical testing. Allele origin: germline. Affected: yes. Study: VKGL Data-share Consensus. Not counted in ClinVar's aggregate classification.

Genome Diagnostics Laboratory, University Medical Center Utrecht
Classification: Likely benign. Review status: no assertion criteria provided. Collection method: clinical testing. Allele origin: germline. Affected: yes. Study: VKGL Data-share Consensus. Not counted in ClinVar's aggregate classification.

NM_005477.3(HCN4):c.1683C>A (p.Gly561=)

Gene: HCN4 (hyperpolarization activated cyclic nucleotide gated potassium channel 4; minus strand). Cytogenetic location: 15q24.1.
Variant type: single nucleotide variant.
Coding change: c.1683C>A on transcript NM_005477.3 (MANE Select); coding-DNA position 1683, C replaced by A.
Protein change: p.Gly561=; no amino-acid change (glycine 561 retained).
Molecular consequence: synonymous variant.
Genome position (GRCh38, 1-based): chr15:73,325,352, G>T on the plus strand (C>A on the coding strand, the complement: HCN4 is on the minus strand). VCF-style: chr15-73325352-G-T. GRCh37 (hg19) VCF-style: chr15-73617693-G-T.
Other names: p.G561G:GGC>GGA; p.Gly561=.
Identifiers: ClinVar variation 190769 (VCV000190769.26), dbSNP rs62641690, ClinGen allele CA301949.